The following is an entry in ClinVar:

NM_004628.5(XPC):c.2418C>T (p.Pro806=)

Gene: XPC (XPC complex subunit, DNA damage recognition and repair factor; minus strand). Cytogenetic location: 3p25.1.
Variant type: single nucleotide variant.
Coding change: c.2418C>T on transcript NM_004628.5 (MANE Select); coding-DNA position 2418, C replaced by T.
Protein change: p.Pro806=; no amino-acid change (proline 806 retained).
Molecular consequence: synonymous variant. On other transcripts: non-coding transcript variant (2).
Genome position (GRCh38, 1-based): chr3:14,148,564, G>A on the plus strand (C>T on the coding strand, the complement: XPC is on the minus strand). VCF-style: chr3-14148564-G-A. GRCh37 (hg19) VCF-style: chr3-14190064-G-A.
Other names: c.1839C>T, p.Pro613= (NM_001354726.2); c.2412C>T, p.Pro804= (NM_001354727.2); c.2400C>T, p.Pro800= (NM_001354729.2); c.2172C>T, p.Pro724= (NM_001354730.2).
Identifiers: ClinVar variation 735340 (VCV000735340.34), dbSNP rs199828421, ClinGen allele CA2267164.
Genomic context (GRCh38, chr3:14,148,564, plus strand): 5'-TCTGGAGCCACCCCTCCCCATCCCTGTGTTTAGCCTCCATCGAAGGCCCCTCACGCACAC[G>A]GGATGGGAGTAGCCGCCATGGAAATCAAAGCCAGTGATGGCCTGGACACAGTCGATGTCC-3'
Protein context (NP_004619.3, residues 796-816): GFDFHGGYSH[Pro806=]VTDGYIVCEE

ClinVar aggregate classification (germline): Likely benign. Review status: criteria provided, multiple submitters, no conflicts (2 of 4 stars). 2 submissions from 2 submitters: Likely benign (2). Last evaluated 2025-01-23.

Allele frequency attached by ClinVar (database versions not stated): ExAC 0.00002; gnomAD exomes 0.00002 and 0.00003; gnomAD 0.00003 and 0.00004; TOPMed 0.00003; ESP Exome Variant Server 0.00016.

Submissions (2):

Labcorp Genetics (formerly Invitae), Labcorp
Classification: Likely benign. Last evaluated: 2025-01-23. Review status: criteria provided, single submitter. Criteria: Invitae Variant Classification Sherloc (09022015). Collection method: clinical testing. Allele origin: germline.

CeGaT Center for Human Genetics Tuebingen
Classification: Likely benign. Last evaluated: 2023-07-01. Review status: criteria provided, single submitter. Criteria: CeGaT Center For Human Genetics Tuebingen Variant Classification Criteria Version 2. Collection method: clinical testing. Allele origin: germline. Affected: yes. Observed: 1 variant allele.
Comment: XPC: BP4, BP7